The following is an entry in ClinVar:

ClinVar aggregate classification (germline): Uncertain significance (1 of 4 stars; one submission).

Submission:

Ambry Genetics
Classification: Uncertain significance. Last evaluated: 2024-08-30. Review status: criteria provided, single submitter. Criteria: Ambry Variant Classification Scheme 2023. Collection method: clinical testing. Allele origin: germline.
Comment: The p.E1451K variant (also known as c.4351G>A), located in coding exon 39 of the KIF1B gene, results from a G to A substitution at nucleotide position 4351. The glutamic acid at codon 1451 is replaced by lysine, an amino acid with similar properties. This amino acid position is well conserved in available vertebrate species. In addition, the in silico prediction for this alteration is inconclusive. Since supporting evidence is limited at this time, the clinical significance of this alteration remains unclear.

NM_001365951.3(KIF1B):c.4489G>A (p.Glu1497Lys)

Gene: KIF1B (kinesin family member 1B; plus strand). Cytogenetic location: 1p36.22.
Variant type: single nucleotide variant.
Coding change: c.4489G>A on transcript NM_001365951.3 (MANE Select); coding-DNA position 4489, G replaced by A.
Protein change: p.Glu1497Lys; replaces glutamic acid 1497 with lysine.
Molecular consequence: missense variant.
Genome position (GRCh38, 1-based): chr1:10,365,222, G>A. VCF-style: chr1-10365222-G-A. GRCh37 (hg19) VCF-style: chr1-10425280-G-A.
Other names: c.4489G>A, p.Glu1497Lys (NM_001365952.1); c.4351G>A, p.Glu1451Lys (NM_015074.3); short protein forms E1451K, E1497K.
Identifiers: ClinVar variation 1739939 (VCV001739939.3), dbSNP rs2521912007, ClinGen allele CA338321091.